The following is an entry in ClinVar:

ClinVar aggregate classification (germline): Pathogenic (1 of 4 stars; one submission).

Conditions:
Capillary malformation-arteriovenous malformation syndrome. Also called: Capillary malformation-arteriovenous malformation. Identifiers: Orphanet 137667, MedGen C1842180, MONDO:0012016.

Submission:

Labcorp Genetics (formerly Invitae), Labcorp
Classification: Pathogenic for Capillary malformation-arteriovenous malformation syndrome. Last evaluated: 2024-08-31. Review status: criteria provided, single submitter. Criteria: Invitae Variant Classification Sherloc (09022015). Collection method: clinical testing. Allele origin: germline.
Comment: This sequence change creates a premature translational stop signal (p.Leu930Aspfs*5) in the RASA1 gene. It is expected to result in an absent or disrupted protein product. Loss-of-function variants in RASA1 are known to be pathogenic (PMID: 24038909). This variant is not present in population databases (gnomAD no frequency). This variant has not been reported in the literature in individuals affected with RASA1-related conditions. For these reasons, this variant has been classified as Pathogenic.

Literature cited by the submitters: PubMed 24038909.

NM_002890.3(RASA1):c.2788_2789del (p.Leu930fs)

Genes: CCNH (cyclin H; minus strand), RASA1 (RAS p21 protein activator 1; plus strand). Cytogenetic location: 5q14.3.
Variant type: Deletion.
Coding change: c.2788_2789del on transcript NM_002890.3 (MANE Select); coding-DNA positions 2788 to 2789, 2 bases deleted (CT; older notation c.2788_2789delCT).
Protein change: p.Leu930fs; shifts the reading frame from leucine 930.
Molecular consequence: frameshift variant. On other transcripts: intron variant (1).
Genome position (GRCh38, 1-based): chr5:87,385,330-87,385,331, CT deleted. VCF-style (leftmost placement, unchanged base first): chr5-87385329-ACT-A. GRCh37 (hg19) VCF-style: chr5-86681146-ACT-A.
Other names: c.2257_2258del, p.Leu753fs (NM_022650.3); c.933+9713_933+9714del (NM_001364075.2); short protein forms L753fs, L930fs.
Identifiers: ClinVar variation 3662534 (VCV003662534.2).